The following is an entry in ClinVar:

NM_007194.4(CHEK2):c.47G>A (p.Ser16Asn)

Gene: CHEK2 (checkpoint kinase 2; minus strand). Cytogenetic location: 22q12.1.
Variant type: single nucleotide variant.
Coding change: c.47G>A on transcript NM_007194.4 (MANE Select); coding-DNA position 47, G replaced by A.
Protein change: p.Ser16Asn; replaces serine 16 with asparagine.
Molecular consequence: missense variant.
Genome position (GRCh38, 1-based): chr22:28,734,675, C>T on the plus strand (G>A on the coding strand, the complement: CHEK2 is on the minus strand). VCF-style: chr22-28734675-C-T. GRCh37 (hg19) VCF-style: chr22-29130663-C-T.
Other names: c.47G>A, p.Ser16Asn (NM_001005735.3, NM_001349956.3, NM_145862.3); c.-731G>A (NM_001257387.3); short protein forms S16N.
Identifiers: ClinVar variation 410038 (VCV000410038.12), dbSNP rs1060502705, ClinGen allele CA16616581.
Genomic context (GRCh38, chr22:28,734,675, plus strand): 5'-TGGGACTGTGAGGAGGAGCCTTGGGACTGGGTAACGCTGCCATGGGGCTGTGAACAGGCA[C>T]TGCTGCCATGAGACTGCTGAGCCTCAACATCCGACTCCCGAGACATCACGACCTCAAAAA-3'
Protein context (NP_009125.1, residues 6-26): DVEAQQSHGS[Ser16Asn]ACSQPHGSVT

ClinVar aggregate classification (germline): Uncertain significance. Review status: criteria provided, multiple submitters, no conflicts (2 of 4 stars). 3 submissions from 3 submitters: Uncertain significance (3). Last evaluated 2023-05-24.

Conditions:
Familial cancer of breast. Also called: BREAST CANCER, FAMILIAL; Hereditary breast cancer; hereditary breast carcinoma. Identifiers: Orphanet 227535, MedGen C0346153, MONDO:0016419, OMIM 114480. Disease mechanism: loss of function.
Hereditary cancer-predisposing syndrome. Also called: Tumor predisposition; Hereditary Cancer Syndrome; Hereditary neoplastic syndrome; Neoplastic Syndromes, Hereditary. Identifiers: Orphanet 140162, MedGen C0027672, MeSH D009386, MONDO:0015356.

Submissions (3):

Labcorp Genetics (formerly Invitae), Labcorp
Classification: Uncertain significance for Familial cancer of breast. Last evaluated: 2023-05-24. Review status: criteria provided, single submitter. Criteria: Invitae Variant Classification Sherloc (09022015). Collection method: clinical testing. Allele origin: germline.
Comment: This variant has not been reported in the literature in individuals affected with CHEK2-related conditions. In summary, the available evidence is currently insufficient to determine the role of this variant in disease. Therefore, it has been classified as a Variant of Uncertain Significance. An algorithm developed to predict the effect of missense changes on protein structure and function (PolyPhen-2) suggests that this variant is likely to be tolerated. ClinVar contains an entry for this variant (Variation ID: 410038). This variant is not present in population databases (gnomAD no frequency). This sequence change replaces serine, which is neutral and polar, with asparagine, which is neutral and polar, at codon 16 of the CHEK2 protein (p.Ser16Asn).

Color Diagnostics, LLC DBA Color Health
Classification: Uncertain significance for Hereditary cancer-predisposing syndrome. Last evaluated: 2023-05-08. Review status: criteria provided, single submitter. Criteria: ACMG Guidelines, 2015. Collection method: clinical testing. Allele origin: germline.
Comment: This missense variant replaces serine with asparagine at codon 16 of the CHEK2 protein. Computational prediction suggests that this variant may not impact protein structure and function (internally defined REVEL score threshold <= 0.5, PMID: 27666373). To our knowledge, functional studies have not been reported for this variant. This variant has not been reported in individuals affected with CHEK2-related disorders in the literature. This variant has not been identified in the general population by the Genome Aggregation Database (gnomAD). The available evidence is insufficient to determine the role of this variant in disease conclusively. Therefore, this variant is classified as a Variant of Uncertain Significance.

Ambry Genetics
Classification: Uncertain significance for Hereditary cancer-predisposing syndrome. Last evaluated: 2023-04-18. Review status: criteria provided, single submitter. Criteria: Ambry Variant Classification Scheme 2023. Collection method: clinical testing. Allele origin: germline.
Comment: The p.S16N variant (also known as c.47G>A), located in coding exon 1 of the CHEK2 gene, results from a G to A substitution at nucleotide position 47. The serine at codon 16 is replaced by asparagine, an amino acid with highly similar properties. This amino acid position is conserved. In addition, this alteration is predicted to be tolerated by in silico analysis. Since supporting evidence is limited at this time, the clinical significance of this alteration remains unclear.